The following is an entry in ClinVar:

NM_001083603.3(PTCH1):c.78G>C (p.Ala26=)

Gene: PTCH1 (patched 1; minus strand). Cytogenetic location: 9q22.32.
Variant type: single nucleotide variant.
Coding change: c.78G>C on transcript NM_001083603.3 (MANE Plus Clinical); coding-DNA position 78, G replaced by C.
Protein change: p.Ala26=; no amino-acid change (alanine 26 retained).
Molecular consequence: synonymous variant. On other transcripts: 5 prime UTR variant (2).
Genome position (GRCh38, 1-based): chr9:95,516,743, C>G on the plus strand (G>C on the coding strand, the complement: PTCH1 is on the minus strand). VCF-style: chr9-95516743-C-G. GRCh37 (hg19) VCF-style: chr9-98279025-C-G.
Other names: c.-272G>C (NM_001083602.3, NM_001354919.2).
Identifiers: ClinVar variation 810394 (VCV000810394.36), dbSNP rs200948177, ClinGen allele CA5139118.

ClinVar aggregate classification (germline): Conflicting classifications of pathogenicity. Review status: criteria provided, conflicting classifications (1 of 4 stars). 3 submissions from 3 submitters: Uncertain significance (1); Likely benign (2). Last evaluated 2026-01-01.

Allele frequency attached by ClinVar (database versions not stated): ESP Exome Variant Server 0.00017; TOPMed 0.00029; gnomAD 0.00022 and 0.00021.
gnomAD v4.1: 388 of 1,613,296 alleles (0.024%); highest among the groups gnomAD compares: Non-Finnish European, 0.0058%; 1 homozygote.

Submissions (3):

CeGaT Center for Human Genetics Tuebingen
Classification: Likely benign. Last evaluated: 2026-01-01. Review status: criteria provided, single submitter. Criteria: CeGaT Center For Human Genetics Tuebingen Variant Classification Criteria Version 2. Collection method: clinical testing. Allele origin: germline. Affected: yes. Observed: 3 variant alleles.
Comment: PTCH1: BP4, BP7

Blueprint Genetics
Classification: Likely benign. Last evaluated: 2024-07-23. Review status: criteria provided, single submitter. Criteria: ACMG Guidelines, 2015. Collection method: clinical testing. Allele origin: germline.

Breakthrough Genomics
Classification: Uncertain significance. Review status: criteria provided, single submitter. Criteria: ACMG Guidelines, 2015. Collection method: not provided. Allele origin: germline. Inheritance: Autosomal recessive inheritance. Affected: yes.